The following is an entry in ClinVar:

NM_016507.4(CDK12):c.4239C>G (p.His1413Gln)

Gene: CDK12 (cyclin dependent kinase 12; plus strand). Cytogenetic location: 17q12.
Variant type: single nucleotide variant.
Coding change: c.4239C>G on transcript NM_016507.4 (MANE Select); coding-DNA position 4239, C replaced by G.
Protein change: p.His1413Gln; replaces histidine 1413 with glutamine.
Molecular consequence: missense variant.
Genome position (GRCh38, 1-based): chr17:39,531,082, C>G. VCF-style: chr17-39531082-C-G. GRCh37 (hg19) VCF-style: chr17-37687335-C-G.
Other names: c.4212C>G, p.His1404Gln (NM_015083.4); short protein forms H1404Q, H1413Q.
Identifiers: ClinVar variation 3830679 (VCV003830679.1).

ClinVar aggregate classification (germline): Uncertain significance (1 of 4 stars; one submission).

gnomAD v4.1: 2 of 1,599,914 alleles (0.00013%); highest among the groups gnomAD compares: African/African-American, 0.0013%; no homozygotes.

Submission:

Ambry Genetics
Classification: Uncertain significance. Last evaluated: 2025-02-16. Review status: criteria provided, single submitter. Criteria: Ambry Variant Classification Scheme 2023. Collection method: clinical testing. Allele origin: germline.
Comment: The p.H1413Q variant (also known as c.4239C>G), located in coding exon 14 of the CDK12 gene, results from a C to G substitution at nucleotide position 4239. The histidine at codon 1413 is replaced by glutamine, an amino acid with highly similar properties. This amino acid position is conserved. In addition, this alteration is predicted to be tolerated by in silico analysis. Based on the available evidence, the clinical significance of this variant remains unclear.